The following is an entry in ClinVar:

ClinVar aggregate classification (germline): Uncertain significance (1 of 4 stars; one submission).

Submission:

GeneDx
Classification: Uncertain significance. Last evaluated: 2025-03-06. Review status: criteria provided, single submitter. Criteria: GeneDx Variant Classification Process June 2021. Collection method: clinical testing. Allele origin: germline. Affected: yes.
Comment: In-frame deletion of 1 amino acid in a non-repeat region; Not observed at significant frequency in large population cohorts (gnomAD); In silico analysis indicates that this variant does not alter protein structure/function; Has not been previously published as pathogenic or benign to our knowledge

NM_001371623.1(TCOF1):c.3061GTG[1] (p.Val1022del)

Gene: TCOF1 (treacle ribosome biogenesis factor 1; plus strand). Cytogenetic location: 5q32.
Variant type: Microsatellite.
Coding change: c.3061GTG[1] on transcript NM_001371623.1 (MANE Select); one copy of the 3-base unit GTG starting at c.3061; the reference has two copies in a row; one copy, 3 bases deleted.
Protein change: p.Val1022del; deletes valine 1022.
Genome position (GRCh38, 1-based): chr5:150,389,904-150,389,906, GTG deleted; deleting any 3 consecutive bases within chr5:150,389,901-150,389,906 gives the same sequence; the position shown is the placement nearest the transcript's 3' end. VCF-style (leftmost placement, unchanged base first): chr5-150389900-TGTG-T. GRCh37 (hg19) VCF-style: chr5-149769463-TGTG-T.
Other names: c.2830GTG[1], p.Val945del (NM_000356.4, NM_001135245.2); c.3061GTG[1], p.Val1022del (NM_001135243.2, NM_001135244.2, NM_001195141.2); c.2941GTG[1], p.Val982del (NM_001437406.1); short protein forms V1022del, V945del, V982del.
Identifiers: ClinVar variation 4082656 (VCV004082656.1).